The following is an entry in ClinVar:

NM_000642.3(AGL):c.3696C>T (p.Asp1232=)

Gene: AGL (amylo-alpha-1,6-glucosidase and 4-alpha-glucanotransferase; plus strand). Cytogenetic location: 1p21.2.
Variant type: single nucleotide variant.
Coding change: c.3696C>T on transcript NM_000642.3 (MANE Select); coding-DNA position 3696, C replaced by T.
Protein change: p.Asp1232=; no amino-acid change (aspartic acid 1232 retained).
Molecular consequence: synonymous variant.
Genome position (GRCh38, 1-based): chr1:99,902,790, C>T. VCF-style: chr1-99902790-C-T. GRCh37 (hg19) VCF-style: chr1-100368346-C-T.
Other names: c.3696C>T, p.Asp1232= (NM_000028.3, NM_000643.3, NM_000644.3 and 1 more transcripts); c.3648C>T, p.Asp1216= (NM_000646.3); c.3675C>T, p.Asp1225= (NM_001425326.1); c.3495C>T, p.Asp1165= (NM_001425327.1); c.3492C>T, p.Asp1164= (NM_001425328.1); c.3357C>T, p.Asp1119= (NM_001425329.1); c.3318C>T, p.Asp1106= (NM_001425332.1).
Identifiers: ClinVar variation 384564 (VCV000384564.12), dbSNP rs143076729, ClinGen allele CA967176.

ClinVar aggregate classification (germline): Likely benign. Review status: criteria provided, multiple submitters, no conflicts (2 of 4 stars). 3 submissions from 3 submitters: Likely benign (3). Last evaluated 2026-01-10.

Conditions:
Glycogen storage disease type III (GSD3). Also called: FORBES DISEASE; Cori disease. Identifiers: Orphanet 366, MedGen C0017922, MONDO:0009291, OMIM 232400.

Allele frequency attached by ClinVar (database versions not stated): gnomAD exomes 0.00004 and 0.00007; TOPMed 0.00007; gnomAD 0.00009 and 0.00011; ExAC 0.00014; ESP Exome Variant Server 0.00015; 1000 Genomes Project 30x 0.00047; 1000 Genomes Project 0.00080.
gnomAD v4.1: 75 of 1,608,996 alleles (0.0047%); highest among the groups gnomAD compares: African/African-American, 0.029%; no homozygotes.

Submissions (3):

Labcorp Genetics (formerly Invitae), Labcorp
Classification: Likely benign for Glycogen storage disease type III. Last evaluated: 2026-01-10. Review status: criteria provided, single submitter. Criteria: Invitae Variant Classification Sherloc (09022015). Collection method: clinical testing. Allele origin: germline.

Genome-Nilou Lab
Classification: Likely benign for Glycogen storage disease type III. Last evaluated: 2023-04-11. Review status: criteria provided, single submitter. Criteria: ACMG Guidelines, 2015. Collection method: clinical testing. Allele origin: germline. Affected: no.

GeneDx
Classification: Likely benign. Last evaluated: 2017-05-01. Review status: criteria provided, single submitter. Criteria: GeneDx Variant Classification (06012015). Collection method: clinical testing. Allele origin: germline. Affected: yes.
Comment: This variant is considered likely benign or benign based on one or more of the following criteria: it is a conservative change, it occurs at a poorly conserved position in the protein, it is predicted to be benign by multiple in silico algorithms, and/or has population frequency not consistent with disease.